The following is an entry in ClinVar:

ClinVar aggregate classification (germline): Uncertain significance (1 of 4 stars; one submission).

Conditions:
Progressive myoclonic epilepsy type 8. Identifiers: Orphanet 424027, MedGen C5190825, MONDO:0014545, OMIM 616230.

Submission:

Labcorp Genetics (formerly Invitae), Labcorp
Classification: Uncertain significance for Progressive myoclonic epilepsy type 8. Last evaluated: 2021-02-28. Review status: criteria provided, single submitter. Criteria: Invitae Variant Classification Sherloc (09022015). Collection method: clinical testing. Allele origin: germline.
Comment: This sequence change replaces alanine with valine at codon 117 of the CERS1 protein (p.Ala117Val). The alanine residue is moderately conserved and there is a small physicochemical difference between alanine and valine. This variant is not present in population databases (ExAC no frequency). This variant has not been reported in the literature in individuals with CERS1-related conditions. Algorithms developed to predict the effect of missense changes on protein structure and function (SIFT, PolyPhen-2, Align-GVGD) all suggest that this variant is likely to be tolerated, but these predictions have not been confirmed by published functional studies and their clinical significance is uncertain. In summary, the available evidence is currently insufficient to determine the role of this variant in disease. Therefore, it has been classified as a Variant of Uncertain Significance.

NM_021267.5(CERS1):c.350C>T (p.Ala117Val)

Genes: GDF1 (growth differentiation factor 1; minus strand), CERS1 (ceramide synthase 1; minus strand). Cytogenetic location: 19p13.11.
Variant type: single nucleotide variant.
Coding change: c.350C>T on transcript NM_021267.5 (MANE Select); coding-DNA position 350, C replaced by T.
Protein change: p.Ala117Val; replaces alanine 117 with valine.
Molecular consequence: missense variant. On other transcripts: 5 prime UTR variant (2).
Genome position (GRCh38, 1-based): chr19:18,893,475, G>A on the plus strand (C>T on the coding strand, the complement: CERS1 is on the minus strand). VCF-style: chr19-18893475-G-A. GRCh37 (hg19) VCF-style: chr19-19004284-G-A.
Other names: c.56C>T, p.Ala19Val (NM_001290265.2, NM_001387442.1, NM_001387443.1 and 2 more transcripts); c.350C>T, p.Ala117Val (NM_001387439.1, NM_001387440.1, NM_001387441.1 and 1 more transcripts); c.-553C>T (NM_001387438.1); c.-973C>T (NM_001492.6); short protein forms A117V, A19V.
Identifiers: ClinVar variation 1513842 (VCV001513842.8), dbSNP rs2146074403, ClinGen allele CA404867965.